The following is an entry in ClinVar:

ClinVar aggregate classification (germline): Likely benign (0 of 4 stars; one submission).

Conditions:
ELOA3P-related condition.

Submission:

PreventionGenetics, part of Exact Sciences
Classification: Likely benign for ELOA3P-related condition. Last evaluated: 2023-02-08. Review status: no assertion criteria provided. Collection method: clinical testing. Allele origin: germline.
Comment: This variant is classified as likely benign based on ACMG/AMP sequence variant interpretation guidelines (Richards et al. 2015 PMID: 25741868, with internal and published modifications).

NM_001387690.1(KATNAL2):c.52-17681T>G

Gene: KATNAL2 (katanin catalytic subunit A1 like 2; plus strand). Cytogenetic location: 18q21.1.
Variant type: single nucleotide variant.
Coding change: c.52-17681T>G on transcript NM_001387690.1 (MANE Select); 17681 bases into the intron before coding-DNA position 52, T replaced by G.
Molecular consequence: intron variant.
Genome position (GRCh38, 1-based): chr18:47,028,776, T>G. VCF-style: chr18-47028776-T-G. GRCh37 (hg19) VCF-style: chr18-44555147-T-G.
Other names: NM_145653.3:c.1067A>C; c.-1-29459T>G (NM_001353904.1, NM_001353903.1, NM_001353907.1 and 3 more transcripts); c.130-17681T>G (NM_001353899.1, NM_001353900.1, NM_001353902.1); c.52-17681T>G (NM_001353901.1, NM_001367621.1); c.-294-17681T>G (NM_001353905.1); c.-94-24104T>G (NM_031303.3).
Identifiers: ClinVar variation 3356626 (VCV003356626.1).